The following is an entry in ClinVar:

NM_000444.6(PHEX):c.264G>A (p.Trp88Ter)

Gene: PHEX (phosphate regulating endopeptidase X-linked; plus strand). Cytogenetic location: Xp22.11.
Variant type: single nucleotide variant.
Coding change: c.264G>A on transcript NM_000444.6 (MANE Select); coding-DNA position 264, G replaced by A.
Protein change: p.Trp88Ter; replaces tryptophan 88 with a stop codon.
Molecular consequence: nonsense.
Genome position (GRCh38, 1-based): chrX:22,047,126, G>A. VCF-style: chrX-22047126-G-A. GRCh37 (hg19) VCF-style: chrX-22065244-G-A.
Other names: c.264G>A, p.Trp88Ter (NM_001282754.2); short protein forms W88*.
Identifiers: ClinVar variation 2841596 (VCV002841596.4), dbSNP rs2146987783, ClinGen allele CA412567655.
Genomic context (GRCh38, chrX:22,047,126, plus strand): 5'-TAAAGTAAATCTGTCTGTGGATCCTTGTGATAATTTCTTCCGGTTCGCTTGTGATGGCTG[G>A]ATAAGCAATAATCCAATTCCCGAAGATATGCCAAGCTATGGGGTTTATCCTTGGCTGAGA-3'

ClinVar aggregate classification (germline): Pathogenic/Likely pathogenic. Review status: criteria provided, multiple submitters, no conflicts (2 of 4 stars). 2 submissions from 2 submitters: Pathogenic (1); Likely pathogenic (1). Last evaluated 2024-06-07.

Conditions:
Familial X-linked hypophosphatemic vitamin D refractory rickets (XLHRD). Also called: Hypophosphatemic Rickets, X-Linked Dominant; X-Linked Hypophosphatemia; HYPOPHOSPHATEMIC VITAMIN D-RESISTANT RICKETS; Hypophosphatemia, vitamin D-resistant rickets; Vitamin D-resistant rickets, X-linked. Identifiers: Orphanet 89936, MedGen C0733682, MONDO:0010619, OMIM 307800.

Submissions (2):

Fulgent Genetics
Classification: Likely pathogenic for Familial X-linked hypophosphatemic vitamin D refractory rickets. Last evaluated: 2024-06-07. Review status: criteria provided, single submitter. Criteria: ACMG Guidelines, 2015. Collection method: clinical testing. Allele origin: germline.

Labcorp Genetics (formerly Invitae), Labcorp
Classification: Pathogenic. Last evaluated: 2023-03-03. Review status: criteria provided, single submitter. Criteria: Invitae Variant Classification Sherloc (09022015). Collection method: clinical testing. Allele origin: germline.
Comment: This sequence change creates a premature translational stop signal (p.Trp88*) in the PHEX gene. It is expected to result in an absent or disrupted protein product. Loss-of-function variants in PHEX are known to be pathogenic (PMID: 9097956, 9106524, 19219621). This variant is not present in population databases (gnomAD no frequency). This premature translational stop signal has been observed in individual(s) with X-linked hypophosphatemia (PMID: 30682568). For these reasons, this variant has been classified as Pathogenic.

Literature cited by the submitters: PubMed 9097956 (cited by Labcorp Genetics (formerly Invitae), Labcorp); PubMed 9106524 (cited by Labcorp Genetics (formerly Invitae), Labcorp); PubMed 19219621 (cited by Labcorp Genetics (formerly Invitae), Labcorp); PubMed 30682568 (cited by Labcorp Genetics (formerly Invitae), Labcorp).